The following is an entry in ClinVar:

ClinVar aggregate classification (germline): Uncertain significance (1 of 4 stars; one submission).

Conditions:
Duchenne muscular dystrophy (DMD). Also called: MUSCULAR DYSTROPHY, PSEUDOHYPERTROPHIC PROGRESSIVE, DUCHENNE TYPE; Duchenne Muscular Dystrophy (DMD). Identifiers: Orphanet 98896, MedGen C0013264, MONDO:0010679, OMIM 310200.

gnomAD v4.1: 1 of 1,209,171 alleles (0.000083%); highest among the groups gnomAD compares: Non-Finnish European, 0.00011%; no homozygotes.

Submission:

Labcorp Genetics (formerly Invitae), Labcorp
Classification: Uncertain significance for Duchenne muscular dystrophy. Last evaluated: 2025-07-01. Review status: criteria provided, single submitter. Criteria: Invitae Variant Classification Sherloc (09022015). Collection method: clinical testing. Allele origin: germline.
Comment: This sequence change replaces methionine, which is neutral and non-polar, with isoleucine, which is neutral and non-polar, at codon 3352 of the DMD protein (p.Met3352Ile). This variant is not present in population databases (gnomAD no frequency). This variant has not been reported in the literature in individuals affected with DMD-related conditions. ClinVar contains an entry for this variant (Variation ID: 3627179). Invitae Evidence Modeling of protein sequence and biophysical properties (such as structural, functional, and spatial information, amino acid conservation, physicochemical variation, residue mobility, and thermodynamic stability) indicates that this missense variant is not expected to disrupt DMD protein function with a negative predictive value of 95%. In summary, the available evidence is currently insufficient to determine the role of this variant in disease. Therefore, it has been classified as a Variant of Uncertain Significance.

NM_004006.3(DMD):c.10056G>A (p.Met3352Ile)

Gene: DMD (dystrophin; minus strand). Cytogenetic location: Xp21.2.
Variant type: single nucleotide variant.
Coding change: c.10056G>A on transcript NM_004006.3 (MANE Select); coding-DNA position 10056, G replaced by A.
Protein change: p.Met3352Ile; replaces methionine 3352 with isoleucine.
Molecular consequence: missense variant.
Genome position (GRCh38, 1-based): chrX:31,180,400, C>T on the plus strand (G>A on the coding strand, the complement: DMD is on the minus strand). VCF-style: chrX-31180400-C-T. GRCh37 (hg19) VCF-style: chrX-31198517-C-T.
Other names: c.10032G>A, p.Met3344Ile (NM_000109.4); c.10044G>A, p.Met3348Ile (NM_004009.3); c.9687G>A, p.Met3229Ile (NM_004010.3); c.6033G>A, p.Met2011Ile (NM_004011.4); c.6024G>A, p.Met2008Ile (NM_004012.4); c.2676G>A, p.Met892Ile (NM_004013.3, NM_004020.4, NM_004021.3 and 2 more transcripts); c.1869G>A, p.Met623Ile (NM_004014.3); c.852G>A, p.Met284Ile (NM_004015.3, NM_004016.3, NM_004017.3 and 2 more transcripts); short protein forms M2008I, M2011I, M284I, M3229I, M3344I, M3348I, M3352I, M623I.
Identifiers: ClinVar variation 3627179 (VCV003627179.2).